The following is an entry in ClinVar:

NM_020884.7(MYH7B):c.2393G>A (p.Arg798Gln)

Gene: MYH7B (myosin heavy chain 7B; plus strand). Cytogenetic location: 20q11.22.
Variant type: single nucleotide variant.
Coding change: c.2393G>A on transcript NM_020884.7 (MANE Select); coding-DNA position 2393, G replaced by A.
Protein change: p.Arg798Gln; replaces arginine 798 with glutamine.
Molecular consequence: missense variant.
Genome position (GRCh38, 1-based): chr20:34,993,419, G>A. VCF-style: chr20-34993419-G-A. GRCh37 (hg19) VCF-style: chr20-33581222-G-A.
Other names: c.2519G>A (NM_020884.3); short protein forms R798Q.
Identifiers: ClinVar variation 1297631 (VCV001297631.12), dbSNP rs200090549, ClinGen allele CA9827356.
Genomic context (GRCh38, chr20:34,993,419, plus strand): 5'-GCGTCCTGGAAGAGCTCCGTGACCAGCGCCTGGCCAAGGTGCTGACGCTGCTGCAGGCGC[G>A]GAGCCGTGGCCGCCTCATGCGCCTTGAGTACCAGCGCCTGCTGGGAGGCAGGTGGGTGTG-3'
Protein context (NP_065935.4, residues 788-808): LAKVLTLLQA[Arg798Gln]SRGRLMRLEY

ClinVar aggregate classification (germline): Uncertain significance. Review status: criteria provided, multiple submitters, no conflicts (2 of 4 stars). 4 submissions from 4 submitters: Uncertain significance (2). 2 of the submissions do not count toward it. Last evaluated 2026-01-02.

Allele frequency attached by ClinVar (database versions not stated): ESP Exome Variant Server 0.00016; gnomAD 0.00019 and 0.00021; gnomAD exomes 0.00020 and 0.00032; TOPMed 0.00020; ExAC 0.00021.
gnomAD v4.1: 484 of 1,612,312 alleles (0.03%); highest among the groups gnomAD compares: Non-Finnish European, 0.036%; no homozygotes.

Submissions (4):

Labcorp Genetics (formerly Invitae), Labcorp
Classification: Uncertain significance. Last evaluated: 2026-01-02. Review status: criteria provided, single submitter. Criteria: Invitae Variant Classification Sherloc (09022015). Collection method: clinical testing. Allele origin: germline.
Comment: This sequence change replaces arginine, which is basic and polar, with glutamine, which is neutral and polar, at codon 840 of the MYH7B protein (p.Arg840Gln). This variant is present in population databases (rs200090549, gnomAD 0.04%). This variant has not been reported in the literature in individuals affected with MYH7B-related conditions. ClinVar contains an entry for this variant (Variation ID: 1297631). An algorithm developed to predict the effect of missense changes on protein structure and function (PolyPhen-2) suggests that this variant is likely to be tolerated. In summary, the available evidence is currently insufficient to determine the role of this variant in disease. Therefore, it has been classified as a Variant of Uncertain Significance.

Ambry Genetics
Classification: Uncertain significance. Last evaluated: 2021-10-06. Review status: criteria provided, single submitter. Criteria: Ambry Variant Classification Scheme 2023. Collection method: clinical testing. Allele origin: germline.

Clinical Genetics DNA and cytogenetics Diagnostics Lab, Erasmus MC, Erasmus Medical Center
Classification: Uncertain significance. Review status: no assertion criteria provided. Collection method: clinical testing. Allele origin: germline. Affected: yes. Study: VKGL Data-share Consensus. Not counted in ClinVar's aggregate classification.

Joint Genome Diagnostic Labs from Nijmegen and Maastricht, Radboudumc and MUMC+
Classification: Uncertain significance. Review status: no assertion criteria provided. Collection method: clinical testing. Allele origin: germline. Affected: yes. Study: VKGL Data-share Consensus. Not counted in ClinVar's aggregate classification.